The following is an entry in ClinVar:

ClinVar aggregate classification (germline): Likely pathogenic (1 of 4 stars; one submission).

Conditions:
Dystonia 12 (DYT12). Also called: DYT-ATP1A3; Rapid-Onset Dystonia-Parkinsonism (RDP). Identifiers: Orphanet 71517, MedGen C1868681, MONDO:0007496, OMIM 128235.

Submission:

Labcorp Genetics (formerly Invitae), Labcorp
Classification: Likely pathogenic for Dystonia 12. Last evaluated: 2021-11-01. Review status: criteria provided, single submitter. Criteria: Invitae Variant Classification Sherloc (09022015). Collection method: clinical testing. Allele origin: germline.
Comment: Algorithms developed to predict the effect of sequence changes on RNA splicing suggest that this variant may disrupt the consensus splice site. Disruption of this splice site has been observed in individual(s) with clinical features of ATP1A3-related conditions (Invitae). This variant is not present in population databases (gnomAD no frequency). This sequence change affects a donor splice site in intron 12 of the ATP1A3 gene. It is expected to disrupt RNA splicing. Variants that disrupt the donor or acceptor splice site typically lead to a loss of protein function (PMID: 16199547), and loss-of-function variants in ATP1A3 are known to be pathogenic (PMID: 24983657, 24631656). In summary, the currently available evidence indicates that the variant is pathogenic, but additional data are needed to prove that conclusively. Therefore, this variant has been classified as Likely Pathogenic.

Literature cited by the submitters: PubMed 16199547; PubMed 24983657; PubMed 24631656.

NM_152296.5(ATP1A3):c.1630+2T>C

Gene: ATP1A3 (ATPase Na+/K+ transporting subunit alpha 3; minus strand). Cytogenetic location: 19q13.2.
Variant type: single nucleotide variant.
Coding change: c.1630+2T>C on transcript NM_152296.5 (MANE Select); the canonical splice donor site of the intron after coding-DNA position 1630, T replaced by C.
Molecular consequence: splice donor variant.
Genome position (GRCh38, 1-based): chr19:41,978,604, A>G on the plus strand (T>C on the coding strand, the complement: ATP1A3 is on the minus strand). VCF-style: chr19-41978604-A-G. GRCh37 (hg19) VCF-style: chr19-42482756-A-G.
Other names: c.1669+2T>C (NM_001256214.2); c.1663+2T>C (NM_001256213.2).
Identifiers: ClinVar variation 1493952 (VCV001493952.6), dbSNP rs2145965854, ClinGen allele CA406046324.